The following is an entry in ClinVar:

NM_015512.5(DNAH1):c.2115G>A (p.Met705Ile)

Gene: DNAH1 (dynein axonemal heavy chain 1; plus strand). Cytogenetic location: 3p21.1.
Variant type: single nucleotide variant.
Coding change: c.2115G>A on transcript NM_015512.5 (MANE Select); coding-DNA position 2115, G replaced by A.
Protein change: p.Met705Ile; replaces methionine 705 with isoleucine.
Molecular consequence: missense variant.
Genome position (GRCh38, 1-based): chr3:52,348,896, G>A. VCF-style: chr3-52348896-G-A. GRCh37 (hg19) VCF-style: chr3-52382912-G-A.
Other names: short protein forms M705I.
Identifiers: ClinVar variation 2174493 (VCV002174493.1), dbSNP rs1702252794, ClinGen allele CA353098288.

ClinVar aggregate classification (germline): Uncertain significance (1 of 4 stars; one submission).

Conditions:
Spermatogenic failure 18. Identifiers: MedGen C4539783, MONDO:0054615, OMIM 617576.
Ciliary dyskinesia, primary, 37 (CILD37). Also called: CILIARY DYSKINESIA, PRIMARY, 37, WITH OR WITHOUT SITUS INVERSUS. Identifiers: MedGen C4539798, MONDO:0033204, OMIM 617577.

Allele frequency attached by ClinVar (database versions not stated): TOPMed 0.00001.

Submission:

Labcorp Genetics (formerly Invitae), Labcorp
Classification: Uncertain significance for Ciliary dyskinesia, primary, 37; Spermatogenic failure 18. Last evaluated: 2022-03-18. Review status: criteria provided, single submitter. Criteria: Invitae Variant Classification Sherloc (09022015). Collection method: clinical testing. Allele origin: germline.
Comment: This sequence change replaces methionine, which is neutral and non-polar, with isoleucine, which is neutral and non-polar, at codon 705 of the DNAH1 protein (p.Met705Ile). This variant is not present in population databases (gnomAD no frequency). This variant has not been reported in the literature in individuals affected with DNAH1-related conditions. Algorithms developed to predict the effect of missense changes on protein structure and function are either unavailable or do not agree on the potential impact of this missense change (SIFT: "Deleterious"; PolyPhen-2: "Benign"; Align-GVGD: "Class C0"). In summary, the available evidence is currently insufficient to determine the role of this variant in disease. Therefore, it has been classified as a Variant of Uncertain Significance.